The following is an entry in ClinVar:

ClinVar aggregate classification (germline): Uncertain significance. Review status: criteria provided, multiple submitters, no conflicts (2 of 4 stars). 2 submissions from 2 submitters: Uncertain significance (2). Last evaluated 2025-06-09.

Conditions:
Hereditary cancer-predisposing syndrome. Also called: Neoplastic Syndromes, Hereditary; Tumor predisposition; Hereditary Cancer Syndrome; Hereditary neoplastic syndrome. Identifiers: Orphanet 140162, MedGen C0027672, MeSH D009386, MONDO:0015356.

Submissions (2):

Labcorp Genetics (formerly Invitae), Labcorp
Classification: Uncertain significance. Last evaluated: 2025-06-09. Review status: criteria provided, single submitter. Criteria: Invitae Variant Classification Sherloc (09022015). Collection method: clinical testing. Allele origin: germline.
Comment: This sequence change replaces cysteine, which is neutral and slightly polar, with arginine, which is basic and polar, at codon 63 of the HOXB13 protein (p.Cys63Arg). This variant is not present in population databases (gnomAD no frequency). This variant has not been reported in the literature in individuals affected with HOXB13-related conditions. ClinVar contains an entry for this variant (Variation ID: 820235). Invitae Evidence Modeling of protein sequence and biophysical properties (such as structural, functional, and spatial information, amino acid conservation, physicochemical variation, residue mobility, and thermodynamic stability) indicates that this missense variant is not expected to disrupt HOXB13 protein function with a negative predictive value of 80%. In summary, the available evidence is currently insufficient to determine the role of this variant in disease. Therefore, it has been classified as a Variant of Uncertain Significance.

Ambry Genetics
Classification: Uncertain significance for Hereditary cancer-predisposing syndrome. Last evaluated: 2024-10-18. Review status: criteria provided, single submitter. Criteria: Ambry Variant Classification Scheme 2023. Collection method: clinical testing. Allele origin: germline.
Comment: The p.C63R variant (also known as c.187T>C), located in coding exon 1 of the HOXB13 gene, results from a T to C substitution at nucleotide position 187. The cysteine at codon 63 is replaced by arginine, an amino acid with highly dissimilar properties. This amino acid position is highly conserved in available vertebrate species. In addition, the in silico prediction for this alteration is inconclusive. Since supporting evidence is limited at this time, the clinical significance of this alteration remains unclear.

NM_006361.6(HOXB13):c.187T>C (p.Cys63Arg)

Gene: HOXB13 (homeobox B13; minus strand). Cytogenetic location: 17q21.32.
Variant type: single nucleotide variant.
Coding change: c.187T>C on transcript NM_006361.6 (MANE Select); coding-DNA position 187, T replaced by C.
Protein change: p.Cys63Arg; replaces cysteine 63 with arginine.
Molecular consequence: missense variant.
Genome position (GRCh38, 1-based): chr17:48,728,407, A>G on the plus strand (T>C on the coding strand, the complement: HOXB13 is on the minus strand). VCF-style: chr17-48728407-A-G. GRCh37 (hg19) VCF-style: chr17-46805769-A-G.
Other names: short protein forms C63R.
Identifiers: ClinVar variation 820235 (VCV000820235.8), dbSNP rs758166293, ClinGen allele CA400107996.